The following is an entry in ClinVar:

NM_000203.5(IDUA):c.942G>C (p.Ala314=)

Gene: IDUA (alpha-L-iduronidase; plus strand). Cytogenetic location: 4p16.3.
Variant type: single nucleotide variant.
Coding change: c.942G>C on transcript NM_000203.5 (MANE Select); coding-DNA position 942, G replaced by C.
Protein change: p.Ala314=; no amino-acid change (alanine 314 retained).
Molecular consequence: synonymous variant. On other transcripts: non-coding transcript variant (1).
Genome position (GRCh38, 1-based): chr4:1,002,131, G>C. VCF-style: chr4-1002131-G-C. GRCh37 (hg19) VCF-style: chr4-995919-G-C.
Other names: NM_000203.5(IDUA):c.942G>C; p.Ala314=; c.546G>C, p.Ala182= (NM_001363576.1).
Identifiers: ClinVar variation 92650 (VCV000092650.34), dbSNP rs6830825, ClinGen allele CA145892.

ClinVar aggregate classification (germline): Benign. Review status: reviewed by expert panel (3 of 4 stars). 16 submissions from 14 submitters: Benign (1). 15 of the submissions do not count toward it. Last evaluated 2025-01-02.

Conditions:
Hurler syndrome. Also called: Gargoylism, Hurler Syndrome; MUCOPOLYSACCHARIDOSIS TYPE IH; Severe MPS I (Hurler Syndrome). Identifiers: Orphanet 93473, MedGen C0086795, MONDO:0011758, OMIM 607014.
Mucopolysaccharidosis, MPS-I-S. Also called: Scheie Syndrome; MPS V; MUCOPOLYSACCHARIDOSIS TYPE V; MUCOPOLYSACCHARIDOSIS TYPE IS. Identifiers: Orphanet 93474, MedGen C0026708, MONDO:0011760, OMIM 607016.
Mucopolysaccharidosis, MPS-I-H/S. Also called: Mucopolysaccharidosis type IH/S. Identifiers: Orphanet 93476, MedGen C0086431, MONDO:0011759, OMIM 607015.
Mucopolysaccharidosis type 1. Also called: IDUA deficiency; MPS I; Mucopolysaccharidosis Type I. Identifiers: Orphanet 579, MedGen C0023786, MONDO:0001586.

Allele frequency attached by ClinVar (database versions not stated): ESP Exome Variant Server 0.15535; gnomAD 0.16834 and 0.17199; TOPMed 0.16942; gnomAD exomes 0.17178; 1000 Genomes Project 30x 0.21580; 1000 Genomes Project 0.21865; ExAC 0.25599.
gnomAD v4.1: 253,027 of 1,564,056 alleles (16%); highest among the groups gnomAD compares: South Asian, 30%; 22,035 homozygotes.

Submissions (16):

ClinGen Lysosomal Storage Disorder Variant Curation Expert Panel
Classification: Benign for Mucopolysaccharidosis type 1. Last evaluated: 2025-01-02. Review status: reviewed by expert panel. Criteria: ClinGen LSD ACMG Specifications IDUA V1.0.0. Collection method: curation. Allele origin: germline. Inheritance: Autosomal recessive inheritance.
Comment: The NM_000203.5:c.942G>C variant in IDUA is a synonymous (silent) variant (p.Ala314=). The Grpmax Filtering AF (95% confidence) in gnomAD v4.1.0 is 0.2937 in the South Asian population. This is higher than the ClinGen Lysosomal Diseases VCEP’s threshold for BA1 (>0.005), and therefore meets this criterion (BA1). There is a ClinVar entry for this variant (Variation ID: 92650). In summary, this variant meets the criteria to be classified as benign for mucopolysaccharidosis type 1. IDUA-specific ACMG/AMP criteria applied, as specified by the ClinGen Lysosomal Diseases Variant Curation Expert Panel (Specifications Version 1.0.0): BA1. (Classification approved by the ClinGen Lysosomal Diseases Variant Curation Expert Panel on January 2, 2025)

Labcorp Genetics (formerly Invitae), Labcorp
Classification: Benign for Mucopolysaccharidosis type 1. Last evaluated: 2026-02-04. Review status: criteria provided, single submitter. Criteria: Invitae Variant Classification Sherloc (09022015). Collection method: clinical testing. Allele origin: germline. Not counted in ClinVar's aggregate classification.

Blueprint Genetics
Classification: Benign. Last evaluated: 2024-11-26. Review status: criteria provided, single submitter. Criteria: ACMG Guidelines, 2015. Collection method: clinical testing. Allele origin: germline. Not counted in ClinVar's aggregate classification.

Genome-Nilou Lab
Classification: Benign for Hurler syndrome. Last evaluated: 2021-07-10. Review status: criteria provided, single submitter. Criteria: ACMG Guidelines, 2015. Collection method: clinical testing. Allele origin: germline. Affected: no. Not counted in ClinVar's aggregate classification.

Genome-Nilou Lab
Classification: Benign for Mucopolysaccharidosis, MPS-I-H/S. Last evaluated: 2021-07-10. Review status: criteria provided, single submitter. Criteria: ACMG Guidelines, 2015. Collection method: clinical testing. Allele origin: germline. Affected: no. Not counted in ClinVar's aggregate classification.

Genome-Nilou Lab
Classification: Benign for Mucopolysaccharidosis, MPS-I-S. Last evaluated: 2021-07-10. Review status: criteria provided, single submitter. Criteria: ACMG Guidelines, 2015. Collection method: clinical testing. Allele origin: germline. Affected: no. Not counted in ClinVar's aggregate classification.

GeneDx
Classification: Benign. Last evaluated: 2018-07-05. Review status: criteria provided, single submitter. Criteria: GeneDx Variant Classification Process June 2021. Collection method: clinical testing. Allele origin: germline. Affected: yes. Not counted in ClinVar's aggregate classification.

Illumina Laboratory Services, Illumina
Classification: Benign for Mucopolysaccharidosis type 1. Last evaluated: 2018-01-13. Review status: criteria provided, single submitter. Criteria: ICSL Variant Classification Criteria 13 December 2019. Collection method: clinical testing. Allele origin: germline. Not counted in ClinVar's aggregate classification.
Comment: This variant was observed in the ICSL laboratory as part of a predisposition screen in an ostensibly healthy population. It had not been previously curated by ICSL or reported in the Human Gene Mutation Database (HGMD: prior to June 1st, 2018), and was therefore a candidate for classification through an automated scoring system. Utilizing variant allele frequency, disease prevalence and penetrance estimates, and inheritance mode, an automated score was calculated to assess if this variant is too frequent to cause the disease. Based on the score and internal cut-off values, a variant classified as benign is not then subjected to further curation. The score for this variant resulted in a classification of benign for this disease.

Eurofins Ntd Llc (ga)
Classification: Benign. Last evaluated: 2015-12-11. Review status: criteria provided, single submitter. Criteria: EGL Classification Definitions 2015. Collection method: clinical testing. Allele origin: germline. Observed: 36 variant alleles, 31 heterozygotes, 5 homozygotes. Not counted in ClinVar's aggregate classification.

Breakthrough Genomics
Classification: Benign. Review status: criteria provided, single submitter. Criteria: ACMG Guidelines, 2015. Collection method: not provided. Allele origin: germline. Inheritance: Autosomal recessive inheritance. Affected: yes. Not counted in ClinVar's aggregate classification.

PreventionGenetics, part of Exact Sciences
Classification: Benign. Review status: criteria provided, single submitter. Criteria: ACMG Guidelines, 2015. Collection method: clinical testing. Allele origin: germline. Not counted in ClinVar's aggregate classification.

Natera, Inc.
Classification: Benign for Mucopolysaccharidosis type I. Last evaluated: 2017-05-11. Review status: no assertion criteria provided. Collection method: clinical testing. Allele origin: germline. Not counted in ClinVar's aggregate classification.

Mayo Clinic Laboratories, Mayo Clinic
Classification: Benign. Last evaluated: 2016-02-02. Review status: no assertion criteria provided. Collection method: clinical testing. Allele origin: unknown. Not counted in ClinVar's aggregate classification.

Clinical Genetics DNA and cytogenetics Diagnostics Lab, Erasmus MC, Erasmus Medical Center
Classification: Benign. Review status: no assertion criteria provided. Collection method: clinical testing. Allele origin: germline. Affected: yes. Study: VKGL Data-share Consensus. Not counted in ClinVar's aggregate classification.

Clinical Genetics, Academic Medical Center
Classification: Benign. Review status: no assertion criteria provided. Collection method: clinical testing. Allele origin: germline. Affected: yes. Study: VKGL Data-share Consensus. Not counted in ClinVar's aggregate classification.

Diagnostic Laboratory, Department of Genetics, University Medical Center Groningen
Classification: Benign. Review status: no assertion criteria provided. Collection method: clinical testing. Allele origin: germline. Affected: yes. Study: VKGL Data-share Consensus. Not counted in ClinVar's aggregate classification.